The following is an entry in ClinVar:

NM_007294.4(BRCA1):c.1511dup (p.Arg504_Lys505insTer)

Gene: BRCA1 (BRCA1 DNA repair associated; minus strand). Cytogenetic location: 17q21.31.
Variant type: Duplication.
Coding change: c.1511dup on transcript NM_007294.4 (MANE Select); coding-DNA position 1511, one base duplicated (G; older notation c.1511dupG).
Protein change: p.Arg504_Lys505insTer.
Molecular consequence: frameshift variant. On other transcripts: nonsense (1), intron variant (137).
Genome position (GRCh38, 1-based): chr17:43,094,020, C duplicated on the plus strand (G on the coding strand, the reverse complement: BRCA1 is on the minus strand). VCF-style (leftmost placement, unchanged base first): chr17-43094019-A-AC. GRCh37 (hg19) VCF-style: chr17-41246036-A-AC.
Other names: 1630insG; c.1511dupG (NM_007294.3); c.454+724dup (NM_001408502.1); c.577+724dup (NM_001408489.1, NM_001408479.1, NM_001408482.1 and 9 more transcripts); c.661+724dup (NM_001408445.1, NM_001408432.1, NM_001408450.1 and 6 more transcripts); c.667+1826dup (NM_001408431.1, NM_001408424.1, NM_001408421.1); c.784+724dup (NM_001408407.1, NM_001408402.1, NM_001408473.1 and 13 more transcripts); c.664+724dup (NM_001408443.1, NM_001408439.1, NM_001408425.1 and 12 more transcripts); and 42 more.
Identifiers: ClinVar variation 54279 (VCV000054279.9), dbSNP rs80357817, ClinGen allele CA001017.

ClinVar aggregate classification (germline): Pathogenic. Review status: reviewed by expert panel (3 of 4 stars). 4 submissions from 4 submitters: Pathogenic (1). 3 of the submissions do not count toward it. Last evaluated 2016-09-08.

Conditions:
Hereditary cancer-predisposing syndrome. Also called: Tumor predisposition; Neoplastic Syndromes, Hereditary; Hereditary Cancer Syndrome; Hereditary neoplastic syndrome. Identifiers: Orphanet 140162, MedGen C0027672, MeSH D009386, MONDO:0015356.
Breast-ovarian cancer, familial, susceptibility to, 1 (BROVCA1). Also called: OVARIAN CANCER, SUSCEPTIBILITY TO; BRCA1 Hereditary Breast and Ovarian Cancer. Identifiers: Orphanet 145, MedGen C2676676, MONDO:0011450, OMIM 604370. Disease mechanism: loss of function.

Submissions (4):

Evidence-based Network for the Interpretation of Germline Mutant Alleles (ENIGMA)
Classification: Pathogenic for Breast-ovarian cancer, familial, susceptibility to, 1. Last evaluated: 2016-09-08. Review status: reviewed by expert panel. Criteria: ENIGMA BRCA1/2 Classification Criteria (2015). Collection method: curation. Allele origin: germline.
Comment: Variant allele predicted to encode a truncated non-functional protein.

Ambry Genetics
Classification: Pathogenic for Hereditary cancer-predisposing syndrome. Last evaluated: 2019-07-18. Review status: criteria provided, single submitter. Criteria: Ambry Variant Classification Scheme 2023. Collection method: clinical testing. Allele origin: germline. Not counted in ClinVar's aggregate classification.
Comment: The c.1511dupG pathogenic mutation, located in coding exon 9 of the BRCA1 gene, results from a duplication of G at nucleotide position 1511, causing a translational frameshift with a predicted alternate stop codon (p.K505*). This alteration has been identified in multiple cohorts of Korean breast cancer patients (Ryu JM et al. Breast Cancer Res. Treat. 2019 Jan;173:385-395; Rebbeck TR et al. Hum. Mutat. 2018 05;39:593-620; Park JS et al. Cancer Res Treat. 2017 Oct;49:1012-1021; Son BH et al. Breast Cancer Res. Treat. 2012 Jun;133:1143-52). Of note, this alteration is also designated as 1630insG/1630dupG in the published literature. In addition to the clinical data presented in the literature, this alteration is expected to result in loss of function by premature protein truncation or nonsense-mediated mRNA decay. As such, this alteration is interpreted as a disease-causing mutation.

Consortium of Investigators of Modifiers of BRCA1/2 (CIMBA), c/o University of Cambridge
Classification: Pathogenic for Breast-ovarian cancer, familial, susceptibility to, 1. Last evaluated: 2015-10-02. Review status: criteria provided, single submitter. Criteria: CIMBA Mutation Classification guidelines May 2016. Collection method: clinical testing. Allele origin: germline. Not counted in ClinVar's aggregate classification.

Breast Cancer Information Core (BIC) (BRCA1)
Classification: Pathogenic for Breast-ovarian cancer, familial 1. Last evaluated: 2006-07-19. Review status: no assertion criteria provided. Collection method: clinical testing. Allele origin: germline, unknown. Affected: yes. Observed: 2 variant alleles. Not counted in ClinVar's aggregate classification.

Literature cited by the submitters: PubMed 22382806 (cited by Ambry Genetics); PubMed 28111427 (cited by Ambry Genetics); PubMed 29446198 (cited by Ambry Genetics); PubMed 30350268 (cited by Ambry Genetics).